The following is an entry in ClinVar:

NM_001127222.2(CACNA1A):c.6367C>G (p.Arg2123Gly)

Gene: CACNA1A (calcium voltage-gated channel subunit alpha1 A; minus strand). Cytogenetic location: 19p13.13.
Variant type: single nucleotide variant.
Coding change: c.6367C>G on transcript NM_001127222.2 (MANE Select); coding-DNA position 6367, C replaced by G.
Protein change: p.Arg2123Gly; replaces arginine 2123 with glycine.
Molecular consequence: missense variant.
Genome position (GRCh38, 1-based): chr19:13,209,471, G>C on the plus strand (C>G on the coding strand, the complement: CACNA1A is on the minus strand). VCF-style: chr19-13209471-G-C. GRCh37 (hg19) VCF-style: chr19-13320285-G-C.
Other names: c.6385C>G, p.Arg2129Gly (NM_000068.4, NM_023035.3); c.6370C>G, p.Arg2124Gly (NM_001127221.2); c.6376C>G, p.Arg2126Gly (NM_001174080.2); short protein forms R2123G, R2124G, R2126G, R2129G.
Identifiers: ClinVar variation 3369368 (VCV003369368.1).

ClinVar aggregate classification (germline): Uncertain significance (1 of 4 stars; one submission).

gnomAD v4.1: 1 of 1,346,122 alleles (0.000074%); highest among the groups gnomAD compares: Non-Finnish European, 0.000096%; no homozygotes.

Submission:

GeneDx
Classification: Uncertain significance. Last evaluated: 2024-02-16. Review status: criteria provided, single submitter. Criteria: GeneDx Variant Classification Process June 2021. Collection method: clinical testing. Allele origin: germline. Affected: yes.
Comment: Not observed at significant frequency in large population cohorts (gnomAD); In silico analysis supports that this missense variant has a deleterious effect on protein structure/function; Has not been previously published as pathogenic or benign to our knowledge